The following is an entry in ClinVar:

NM_001849.4(COL6A2):c.436C>T (p.Arg146Trp)

Gene: COL6A2 (collagen type VI alpha 2 chain; plus strand). Cytogenetic location: 21q22.3.
Variant type: single nucleotide variant.
Coding change: c.436C>T on transcript NM_001849.4 (MANE Select); coding-DNA position 436, C replaced by T.
Protein change: p.Arg146Trp; replaces arginine 146 with tryptophan.
Molecular consequence: missense variant.
Genome position (GRCh38, 1-based): chr21:46,112,299, C>T. VCF-style: chr21-46112299-C-T. GRCh37 (hg19) VCF-style: chr21-47532213-C-T.
Other names: c.436C>T, p.Arg146Trp (NM_058174.3, NM_058175.3); short protein forms R146W.
Identifiers: ClinVar variation 281665 (VCV000281665.17), dbSNP rs762263982, ClinGen allele CA10071290.

ClinVar aggregate classification (germline): Uncertain significance. Review status: criteria provided, multiple submitters, no conflicts (2 of 4 stars). 4 submissions from 4 submitters: Uncertain significance (4). Last evaluated 2025-02-14.

Conditions:
Bethlem myopathy 1A. Also called: Bethlem myopathy 1; MYOPATHY, BENIGN CONGENITAL, WITH CONTRACTURES; Bethlem Muscular Dystrophy. Identifiers: Orphanet 610, MedGen CN029274, MONDO:0024530, OMIM 158810.

Allele frequency attached by ClinVar (database versions not stated): ExAC 0.00001; gnomAD 0.00002; gnomAD exomes 0.00002; TOPMed 0.00002.
gnomAD v4.1: 37 of 1,612,288 alleles (0.0023%); highest among the groups gnomAD compares: Admixed American, 0.0083%; no homozygotes.

Submissions (4):

Labcorp Genetics (formerly Invitae), Labcorp
Classification: Uncertain significance for Bethlem myopathy 1A. Last evaluated: 2025-02-14. Review status: criteria provided, single submitter. Criteria: Invitae Variant Classification Sherloc (09022015). Collection method: clinical testing. Allele origin: germline.
Comment: This sequence change replaces arginine, which is basic and polar, with tryptophan, which is neutral and slightly polar, at codon 146 of the COL6A2 protein (p.Arg146Trp). This variant is present in population databases (rs762263982, gnomAD 0.01%). This variant has not been reported in the literature in individuals affected with COL6A2-related conditions. ClinVar contains an entry for this variant (Variation ID: 281665). Invitae Evidence Modeling of protein sequence and biophysical properties (such as structural, functional, and spatial information, amino acid conservation, physicochemical variation, residue mobility, and thermodynamic stability) indicates that this missense variant is not expected to disrupt COL6A2 protein function with a negative predictive value of 80%. In summary, the available evidence is currently insufficient to determine the role of this variant in disease. Therefore, it has been classified as a Variant of Uncertain Significance.

GeneDx
Classification: Uncertain significance. Last evaluated: 2020-06-09. Review status: criteria provided, single submitter. Criteria: GeneDx Variant Classification Process June 2021. Collection method: clinical testing. Allele origin: germline. Affected: yes.
Comment: In silico analysis supports that this missense variant does not alter protein structure/function; Has not been previously published as pathogenic or benign to our knowledge

Baylor Genetics
Classification: Uncertain significance for Bethlem myopathy 1A. Last evaluated: 2019-07-15. Review status: criteria provided, single submitter. Criteria: ACMG Guidelines, 2015. Collection method: clinical testing. Allele origin: unknown. Affected: yes.
Comment: This variant was determined to be of uncertain significance according to ACMG Guidelines, 2015 [PMID:25741868].

Eurofins Ntd Llc (ga)
Classification: Uncertain significance. Last evaluated: 2016-09-06. Review status: criteria provided, single submitter. Criteria: EGL Classification Definitions 2015. Collection method: clinical testing. Allele origin: germline. Observed: 2 variant alleles, 2 heterozygotes.